The following is an entry in ClinVar:

NM_018699.4(PRDM5):c.1624-330C>T

Gene: PRDM5 (PR/SET domain 5; minus strand). Cytogenetic location: 4q27.
Variant type: single nucleotide variant.
Coding change: c.1624-330C>T on transcript NM_018699.4 (MANE Select); 330 bases into the intron before coding-DNA position 1624, C replaced by T.
Molecular consequence: intron variant.
Genome position (GRCh38, 1-based): chr4:120,710,743, G>A on the plus strand (C>T on the coding strand, the complement: PRDM5 is on the minus strand). VCF-style: chr4-120710743-G-A. GRCh37 (hg19) VCF-style: chr4-121631898-G-A.
Other names: c.1445-330C>T (NM_001300824.2); c.1531-15468C>T (NM_001379106.1); c.1531-330C>T (NM_001300823.2); c.1657-330C>T (NM_001379104.1).
Identifiers: ClinVar variation 669470 (VCV000669470.1), dbSNP rs114245360, ClinGen allele CA15319509.

ClinVar aggregate classification (germline): Benign (1 of 4 stars; one submission).

Allele frequency attached by ClinVar (database versions not stated): 1000 Genomes Project 30x 0.05840; 1000 Genomes Project 0.06070; TOPMed 0.06139; gnomAD 0.06668 and 0.06727.
gnomAD v4.1: 10,242 of 151,896 alleles (6.7%); highest among the groups gnomAD compares: South Asian, 11%; 396 homozygotes.

Submission:

GeneDx
Classification: Benign. Last evaluated: 2018-06-14. Review status: criteria provided, single submitter. Criteria: GeneDx Variant Classification (06012015). Collection method: clinical testing. Allele origin: germline. Affected: yes.
Comment: This variant is considered likely benign or benign based on one or more of the following criteria: it is a conservative change, it occurs at a poorly conserved position in the protein, it is predicted to be benign by multiple in silico algorithms, and/or has population frequency not consistent with disease.